The following is an entry in ClinVar:

NM_006205.3(PDE6H):c.-29G>C

Gene: PDE6H (phosphodiesterase 6H; plus strand). Cytogenetic location: 12p12.3.
Variant type: single nucleotide variant.
Coding change: c.-29G>C on transcript NM_006205.3 (MANE Select); 29 bases upstream of the start codon, G replaced by C.
Molecular consequence: 5 prime UTR variant.
Genome position (GRCh38, 1-based): chr12:14,977,984, G>C. VCF-style: chr12-14977984-G-C. GRCh37 (hg19) VCF-style: chr12-15130918-G-C.
Other names: -29G-C, 5-PRIME UTR.
Identifiers: ClinVar variation 307781 (VCV000307781.30), dbSNP rs114575851, ClinGen allele CA6465822.

ClinVar aggregate classification (germline): Benign/Likely benign. Review status: criteria provided, multiple submitters, no conflicts (2 of 4 stars). 3 submissions from 3 submitters: Benign (1); Likely benign (1). 1 of the submissions does not count toward it. Last evaluated 2022-10-01.

Conditions:
Achromatopsia 6. Also called: RETINAL CONE DYSTROPHY 3A; CONE DYSTROPHY WITH NIGHT BLINDNESS AND SUPERNORMAL ROD RESPONSES, PDE6H-RELATED. Identifiers: Orphanet 49382, MedGen C1864900, MONDO:0012398, OMIM 610024.

Allele frequency attached by ClinVar (database versions not stated): gnomAD exomes 0.00090 and 0.00231; ExAC 0.00283; gnomAD 0.00844 and 0.00911; ESP Exome Variant Server 0.00946; TOPMed 0.01026; 1000 Genomes Project 0.01178; 1000 Genomes Project 30x 0.01249.
gnomAD v4.1: 2,641 of 1,610,784 alleles (0.16%); highest among the groups gnomAD compares: African/African-American, 3.1%; 45 homozygotes.

Submissions (3):

CeGaT Center for Human Genetics Tuebingen
Classification: Benign. Last evaluated: 2022-10-01. Review status: criteria provided, single submitter. Criteria: CeGaT Center For Human Genetics Tuebingen Variant Classification Criteria Version 2. Collection method: clinical testing. Allele origin: germline. Affected: yes. Observed: 1 variant allele.
Comment: PDE6H: BS1, BS2

Illumina Laboratory Services, Illumina
Classification: Likely benign for Achromatopsia 6. Last evaluated: 2017-04-27. Review status: criteria provided, single submitter. Criteria: ICSL Variant Classification Criteria 13 December 2019. Collection method: clinical testing. Allele origin: germline.
Comment: This variant was observed as part of a predisposition screen in an ostensibly healthy population. A literature search was performed for the gene, cDNA change, and amino acid change (where applicable). Publications were found based on this search. The evidence from the literature, in combination with allele frequency data from public databases where available, was sufficient to determine this variant is unlikely to cause disease. Therefore, this variant is classified as likely benign.

OMIM
Classification: Uncertain significance for RECLASSIFIED - VARIANT OF UNKNOWN SIGNIFICANCE. Last evaluated: 2012-09-07. Review status: no assertion criteria provided. Collection method: literature only. Allele origin: germline. Not counted in ClinVar's aggregate classification.

Literature cited by the submitters: PubMed 15629837 (cited by Illumina Laboratory Services, Illumina and OMIM); PubMed 6607068 (cited by OMIM); PubMed 22901948 (cited by OMIM).